The following is an entry in ClinVar:

ClinVar aggregate classification (germline): Uncertain significance (1 of 4 stars; one submission).

Conditions:
Polyglucosan body myopathy type 1 (PGBM1). Also called: Polyglucosan body myopathy 1 with or without immunodeficiency; POLYGLUCOSAN BODY MYOPATHY WITHOUT IMMUNODEFICIENCY. Identifiers: Orphanet 329173, Orphanet 397937, MedGen C4014605, MONDO:0014389, OMIM 615895.

Allele frequency attached by ClinVar (database versions not stated): gnomAD exomes below 0.00001; gnomAD 0.00001; TOPMed 0.00001.
gnomAD v4.1: 6 of 1,610,842 alleles (0.00037%); highest among the groups gnomAD compares: Non-Finnish European, 0.00051%; no homozygotes.

Submission:

Labcorp Genetics (formerly Invitae), Labcorp
Classification: Uncertain significance for Polyglucosan body myopathy type 1. Last evaluated: 2023-08-04. Review status: criteria provided, single submitter. Criteria: Invitae Variant Classification Sherloc (09022015). Collection method: clinical testing. Allele origin: germline.
Comment: This sequence change affects codon 7 of the RBCK1 mRNA. It is a 'silent' change, meaning that it does not change the encoded amino acid sequence of the RBCK1 protein. It affects a nucleotide within the consensus splice site. In summary, the available evidence is currently insufficient to determine the role of this variant in disease. Therefore, it has been classified as a Variant of Uncertain Significance. Algorithms developed to predict the effect of sequence changes on RNA splicing suggest that this variant may create or strengthen a splice site. ClinVar contains an entry for this variant (Variation ID: 1477399). This variant has not been reported in the literature in individuals affected with RBCK1-related conditions. This variant is present in population databases (no rsID available, gnomAD 0.007%).

NM_031229.4(RBCK1):c.21A>G (p.Lys7=)

Gene: RBCK1 (RANBP2-type and C3HC4-type zinc finger containing 1; plus strand). Cytogenetic location: 20p13.
Variant type: single nucleotide variant.
Coding change: c.21A>G on transcript NM_031229.4 (MANE Select); coding-DNA position 21, A replaced by G.
Protein change: p.Lys7=; no amino-acid change (lysine 7 retained).
Molecular consequence: synonymous variant. On other transcripts: 5 prime UTR variant (2), missense variant (1), non-coding transcript variant (1).
Genome position (GRCh38, 1-based): chr20:408,778, A>G. VCF-style: chr20-408778-A-G. GRCh37 (hg19) VCF-style: chr20-389422-A-G.
Other names: c.-329A>G (NM_001323956.2); c.-184A>G (NM_001323958.2); c.21A>G, p.Lys7= (NM_001323960.2); c.40A>G, p.Arg14Gly (NM_006462.6); short protein forms R14G.
Identifiers: ClinVar variation 1477399 (VCV001477399.8), dbSNP rs1288403973, ClinGen allele CA407943385.